The following is an entry in ClinVar:

NM_000548.5(TSC2):c.3240A>T (p.Leu1080Phe)

Gene: TSC2 (TSC complex subunit 2; plus strand). Cytogenetic location: 16p13.3.
Variant type: single nucleotide variant.
Coding change: c.3240A>T on transcript NM_000548.5 (MANE Select); coding-DNA position 3240, A replaced by T.
Protein change: p.Leu1080Phe; replaces leucine 1080 with phenylalanine.
Molecular consequence: missense variant.
Genome position (GRCh38, 1-based): chr16:2,079,384, A>T. VCF-style: chr16-2079384-A-T. GRCh37 (hg19) VCF-style: chr16-2129385-A-T.
Other names: c.3108A>T, p.Leu1036Phe (NM_001077183.3, NM_001370404.1, NM_001406665.1); c.3240A>T, p.Leu1080Phe (NM_001114382.3); c.3000A>T, p.Leu1000Phe (NM_001318827.2); c.2964A>T, p.Leu988Phe (NM_001318829.2); c.2508A>T, p.Leu836Phe (NM_001318831.2, NM_001406687.1, NM_001406688.1); c.3141A>T, p.Leu1047Phe (NM_001318832.2); c.3111A>T, p.Leu1037Phe (NM_001363528.2, NM_001370405.1, NM_021055.3); c.3237A>T, p.Leu1079Phe (NM_001406663.1, NM_001406664.1); and 18 more; short protein forms L1036F, L1043F, L1079F, L502F, L837F, L883F, L1032F, L1033F.
Identifiers: ClinVar variation 1729298 (VCV001729298.3), dbSNP rs371514669, ClinGen allele CA394286083.

ClinVar aggregate classification (germline): Uncertain significance (1 of 4 stars; one submission).

Conditions:
Hereditary cancer-predisposing syndrome. Also called: Neoplastic Syndromes, Hereditary; Tumor predisposition; Hereditary Cancer Syndrome; Hereditary neoplastic syndrome. Identifiers: Orphanet 140162, MedGen C0027672, MeSH D009386, MONDO:0015356.

Submission:

Ambry Genetics
Classification: Uncertain significance for Hereditary cancer-predisposing syndrome. Last evaluated: 2025-06-02. Review status: criteria provided, single submitter. Criteria: Ambry Variant Classification Scheme 2023. Collection method: clinical testing. Allele origin: germline.
Comment: The p.L1080F variant (also known as c.3240A>T), located in coding exon 27 of the TSC2 gene, results from an A to T substitution at nucleotide position 3240. The leucine at codon 1080 is replaced by phenylalanine, an amino acid with highly similar properties. This amino acid position is conserved. In addition, the in silico prediction for this alteration is inconclusive. Since supporting evidence is limited at this time, the clinical significance of this alteration remains unclear.